The following is an entry in ClinVar:

ClinVar aggregate classification (germline): Likely benign. Review status: criteria provided, multiple submitters, no conflicts (2 of 4 stars). 5 submissions from 5 submitters: Likely benign (5). Last evaluated 2026-01-11.

Conditions:
Hereditary nonpolyposis colorectal neoplasms. Identifiers: MedGen C0009405, MeSH D003123.
Hereditary cancer-predisposing syndrome. Also called: Hereditary neoplastic syndrome; Tumor predisposition; Hereditary Cancer Syndrome; Neoplastic Syndromes, Hereditary. Identifiers: Orphanet 140162, MedGen C0027672, MeSH D009386, MONDO:0015356.
Lynch syndrome 5 (LYNCH5). Also called: Colorectal cancer, hereditary nonpolyposis, type 5; Hereditary non-polyposis colorectal cancer, type 5. Identifiers: Orphanet 144, MedGen C1833477, MONDO:0013710, OMIM 614350. Disease mechanism: loss of function.

Submissions (5):

Labcorp Genetics (formerly Invitae), Labcorp
Classification: Likely benign for Hereditary nonpolyposis colorectal neoplasms. Last evaluated: 2026-01-11. Review status: criteria provided, single submitter. Criteria: Invitae Variant Classification Sherloc (09022015). Collection method: clinical testing. Allele origin: germline.

Myriad Genetics, Inc.
Classification: Likely benign for Lynch syndrome 5. Last evaluated: 2025-01-08. Review status: criteria provided, single submitter. Criteria: Myriad Autosomal Dominant, Autosomal Recessive and X-Linked Classification Criteria (2023). Collection method: clinical testing. Allele origin: unknown.
Comment: This variant is considered likely benign. This variant is intronic and is not expected to impact mRNA splicing.

Ambry Genetics
Classification: Likely benign for Hereditary cancer-predisposing syndrome. Last evaluated: 2023-06-04. Review status: criteria provided, single submitter. Criteria: Ambry Variant Classification Scheme 2023. Collection method: clinical testing. Allele origin: germline.

GeneDx
Classification: Likely benign. Last evaluated: 2020-09-21. Review status: criteria provided, single submitter. Criteria: GeneDx Variant Classification Process June 2021. Collection method: clinical testing. Allele origin: germline. Affected: yes.

Color Diagnostics, LLC DBA Color Health
Classification: Likely benign for Hereditary cancer-predisposing syndrome. Last evaluated: 2017-02-03. Review status: criteria provided, single submitter. Criteria: ACMG Guidelines, 2015. Collection method: clinical testing. Allele origin: germline.

NM_000179.3(MSH6):c.3802-13TTTC[3]

Gene: MSH6 (mutS homolog 6; plus strand). Cytogenetic location: 2p16.3.
Variant type: Microsatellite.
Coding change: c.3802-13TTTC[3] on transcript NM_000179.3 (MANE Select); three copies in a row of the 4-base unit TTTC starting at c.3802-13.
Molecular consequence: intron variant.
Genome position: GRCh38 VCF-style: chr2-47806438-T-TTTTC. GRCh37 (hg19) VCF-style: chr2-48033577-T-TTTTC.
Other names: c.2896-13TTTC[3] (NM_001281493.2, NM_001281494.2); c.3412-13TTTC[3] (NM_001281492.2); c.3802-7_3802-4dupTCTT (NM_000179.2).
Identifiers: ClinVar variation 491965 (VCV000491965.15), dbSNP rs876661171, ClinGen allele CA426122101.